The following is an entry in ClinVar:

ClinVar aggregate classification (germline): not provided (0 of 4 stars; one submission).

Conditions:
Familial long QT syndrome (RWS). Also called: Congenital long QT syndrome; Romano-Ward syndrome; VENTRICULAR FIBRILLATION WITH PROLONGED QT INTERVAL. Identifiers: Orphanet 768, MedGen C1141890, MONDO:0019171.

Submission:

Cardiovascular Biomedical Research Unit, Royal Brompton & Harefield NHS Foundation Trust
No classification provided. Condition: Familial long QT syndrome. Review status: no classification provided. Collection method: literature only. Allele origin: germline.
Comment: This variant has been reported as associated with Long QT syndrome in the following publications (PMID:12566525;PMID:19841300). This is a literature report, and does not necessarily reflect the clinical interpretation of the Imperial College / Royal Brompton Cardiovascular Genetics laboratory.

Literature cited by the submitters: PubMed 12566525; PubMed 19841300; PubMed 22581653.

NM_000238.4(KCNH2):c.1945T>C (p.Ser649Pro)

Gene: KCNH2 (potassium voltage-gated channel subfamily H member 2; minus strand). Cytogenetic location: 7q36.1.
Variant type: single nucleotide variant.
Coding change: c.1945T>C on transcript NM_000238.4 (MANE Select); coding-DNA position 1945, T replaced by C.
Protein change: p.Ser649Pro; replaces serine 649 with proline.
Molecular consequence: missense variant.
Genome position (GRCh38, 1-based): chr7:150,951,448, A>G on the plus strand (T>C on the coding strand, the complement: KCNH2 is on the minus strand). VCF-style: chr7-150951448-A-G. GRCh37 (hg19) VCF-style: chr7-150648536-A-G.
Other names: c.1945T>C (LRG_288t1); c.925T>C, p.Ser309Pro (NM_001204798.2, NM_172057.3); c.1657T>C, p.Ser553Pro (NM_001406753.1, NM_001406756.1); c.1768T>C, p.Ser590Pro (NM_001406755.1); c.1645T>C, p.Ser549Pro (NM_001406757.1); c.1945T>C, p.Ser649Pro (NM_172056.3); short protein forms S309P, S649P, S549P, S553P, S590P.
Identifiers: ClinVar variation 67345 (VCV000067345.3), dbSNP rs199473530, ClinGen allele CA006078.